The following is an entry in ClinVar:

ClinVar aggregate classification (germline): Uncertain significance (1 of 4 stars; one submission).

Allele frequency attached by ClinVar (database versions not stated): ExAC 0.00002; gnomAD exomes 0.00002; TOPMed 0.00004; ESP Exome Variant Server 0.00008.
gnomAD v4.1: 25 of 1,613,702 alleles (0.0015%); highest among the groups gnomAD compares: African/African-American, 0.0027%; no homozygotes.

Submission:

Labcorp Genetics (formerly Invitae), Labcorp
Classification: Uncertain significance. Last evaluated: 2022-10-17. Review status: criteria provided, single submitter. Criteria: Invitae Variant Classification Sherloc (09022015). Collection method: clinical testing. Allele origin: germline.
Comment: In summary, the available evidence is currently insufficient to determine the role of this variant in disease. Therefore, it has been classified as a Variant of Uncertain Significance. Algorithms developed to predict the effect of missense changes on protein structure and function are either unavailable or do not agree on the potential impact of this missense change (SIFT: "Deleterious"; PolyPhen-2: "Probably Damaging"; Align-GVGD: "Class C0"). This variant has not been reported in the literature in individuals affected with HMCN1-related conditions. This variant is present in population databases (rs370029491, gnomAD 0.007%). This sequence change replaces proline, which is neutral and non-polar, with serine, which is neutral and polar, at codon 1001 of the HMCN1 protein (p.Pro1001Ser).

NM_031935.3(HMCN1):c.3001C>T (p.Pro1001Ser)

Gene: HMCN1 (hemicentin 1; plus strand). Cytogenetic location: 1q31.1.
Variant type: single nucleotide variant.
Coding change: c.3001C>T on transcript NM_031935.3 (MANE Select); coding-DNA position 3001, C replaced by T.
Protein change: p.Pro1001Ser; replaces proline 1001 with serine.
Molecular consequence: missense variant.
Genome position (GRCh38, 1-based): chr1:185,987,497, C>T. VCF-style: chr1-185987497-C-T. GRCh37 (hg19) VCF-style: chr1-185956629-C-T.
Other names: short protein forms P1001S.
Identifiers: ClinVar variation 1946195 (VCV001946195.5), dbSNP rs370029491, ClinGen allele CA1291586.